The following is an entry in ClinVar:

ClinVar aggregate classification (germline): Likely benign. Review status: criteria provided, multiple submitters, no conflicts (2 of 4 stars). 2 submissions from 2 submitters: Likely benign (2). Last evaluated 2024-01-01.

Allele frequency attached by ClinVar (database versions not stated): TOPMed 0.00003.
gnomAD v4.1: 44 of 1,549,226 alleles (0.0028%); highest among the groups gnomAD compares: Admixed American, 0.0059%; no homozygotes.

Submissions (2):

CeGaT Center for Human Genetics Tuebingen
Classification: Likely benign. Last evaluated: 2024-01-01. Review status: criteria provided, single submitter. Criteria: CeGaT Center For Human Genetics Tuebingen Variant Classification Criteria Version 2. Collection method: clinical testing. Allele origin: germline. Affected: yes. Observed: 1 variant allele.
Comment: PIEZO1: BP4, BP7

Blueprint Genetics
Classification: Likely benign. Last evaluated: 2023-10-02. Review status: criteria provided, single submitter. Criteria: ACMG Guidelines, 2015. Collection method: clinical testing. Allele origin: germline.

NM_001142864.4(PIEZO1):c.3951C>T (p.Thr1317=)

Gene: PIEZO1 (piezo type mechanosensitive ion channel component 1 (Er blood group); minus strand). Cytogenetic location: 16q24.3.
Variant type: single nucleotide variant.
Coding change: c.3951C>T on transcript NM_001142864.4 (MANE Select); coding-DNA position 3951, C replaced by T.
Protein change: p.Thr1317=; no amino-acid change (threonine 1317 retained).
Molecular consequence: synonymous variant.
Genome position (GRCh38, 1-based): chr16:88,726,301, G>A on the plus strand (C>T on the coding strand, the complement: PIEZO1 is on the minus strand). VCF-style: chr16-88726301-G-A. GRCh37 (hg19) VCF-style: chr16-88792709-G-A.
Other names: c.2493C>T, p.Thr831= (NM_014745.1).
Identifiers: ClinVar variation 3025608 (VCV003025608.23), dbSNP rs962141447, ClinGen allele CA286413389.